The following is an entry in ClinVar:

NM_001042492.3(NF1):c.945G>A (p.Gln315=)

Gene: NF1 (neurofibromin 1; plus strand). Cytogenetic location: 17q11.2.
Variant type: single nucleotide variant.
Coding change: c.945G>A on transcript NM_001042492.3 (MANE Select); coding-DNA position 945, G replaced by A.
Protein change: p.Gln315=; no amino-acid change (glutamine 315 retained).
Molecular consequence: synonymous variant.
Genome position (GRCh38, 1-based): chr17:31,200,478, G>A. VCF-style: chr17-31200478-G-A. GRCh37 (hg19) VCF-style: chr17-29527496-G-A.
Other names: c.945G>A, p.Gln315= (NM_000267.4, NM_001128147.3).
Identifiers: ClinVar variation 3237995 (VCV003237995.3), dbSNP rs2066506934.
Genomic context (GRCh38, chr17:31,200,478, plus strand): 5'-GTAGAAGTTATTTCTGGACAGTCTACGAAAAGCTCTTGCTGGCCATGGAGGAAGTAGGCA[G>A]CTGACAGAAAGTGCTGCAATTGCCTGTGTCAAACTGTGTAAAGCAAGTACTTACATCAAT-3'
Protein context (NP_001035957.1, residues 305-325): KALAGHGGSR[Gln315=]LTESAAIACV

ClinVar aggregate classification (germline): Conflicting classifications of pathogenicity. Review status: criteria provided, conflicting classifications (1 of 4 stars). 2 submissions from 2 submitters: Pathogenic (1); Likely benign (1). Last evaluated 2024-08-18.

Conditions:
Hereditary cancer-predisposing syndrome. Also called: Hereditary Cancer Syndrome; Tumor predisposition; Neoplastic Syndromes, Hereditary; Hereditary neoplastic syndrome. Identifiers: Orphanet 140162, MedGen C0027672, MeSH D009386, MONDO:0015356.
Cardiovascular phenotype. Identifiers: MedGen CN230736.
Neurofibromatosis, type 1 (NF1). Also called: VON RECKLINGHAUSEN DISEASE; Neurofibromatosis, type I; NEUROFIBROMATOSIS, TYPE I, SOMATIC; Peripheral type neurofibromatosis. Identifiers: Orphanet 636, MedGen C0027831, MONDO:0018975, OMIM 162200. Disease mechanism: loss of function.

Submissions (2):

Labcorp Genetics (formerly Invitae), Labcorp
Classification: Pathogenic for Neurofibromatosis, type 1. Last evaluated: 2024-08-18. Review status: criteria provided, single submitter. Criteria: Invitae Variant Classification Sherloc (09022015). Collection method: clinical testing. Allele origin: germline.
Comment: This sequence change affects codon 315 of the NF1 mRNA. It is a 'silent' change, meaning that it does not change the encoded amino acid sequence of the NF1 protein. RNA analysis indicates that this variant induces altered splicing and likely results in a shortened protein product. This variant is not present in population databases (gnomAD no frequency). This variant has been observed in individual(s) with clinical features of NF1-related conditions (PMID: 13680360). Studies have shown that this variant results in skipping of exon 9, but is expected to preserve the integrity of the reading-frame (PMID: 17295913, 26509978). This variant disrupts a region of the NF1 protein in which other variant(s) (p.Leu303Arg) have been determined to be pathogenic (PMID: 16787982, 27716896). This suggests that this is a clinically significant region of the protein, and that variants that disrupt it are likely to be disease-causing. For these reasons, this variant has been classified as Pathogenic.

Ambry Genetics
Classification: Likely benign for Cardiovascular phenotype; Hereditary cancer-predisposing syndrome. Last evaluated: 2023-07-15. Review status: criteria provided, single submitter. Criteria: Ambry Variant Classification Scheme 2023. Collection method: clinical testing. Allele origin: germline.

Literature cited by the submitters: PubMed 13680360 (cited by Labcorp Genetics (formerly Invitae), Labcorp); PubMed 17295913 (cited by Labcorp Genetics (formerly Invitae), Labcorp); PubMed 26509978 (cited by Labcorp Genetics (formerly Invitae), Labcorp); PubMed 16787982 (cited by Labcorp Genetics (formerly Invitae), Labcorp); PubMed 27716896 (cited by Labcorp Genetics (formerly Invitae), Labcorp).